The following is an entry in ClinVar:

NM_001029896.2(WDR45):c.56-3C>T

Genes: WDR45 (WD repeat domain 45; minus strand), LOC126863256 (BRD4-independent group 4 enhancer GRCh37_chrX:48934848-48936047; plus strand). Cytogenetic location: Xp11.23.
Variant type: single nucleotide variant.
Coding change: c.56-3C>T on transcript NM_001029896.2 (MANE Select); 3 bases into the intron before coding-DNA position 56, C replaced by T.
Molecular consequence: intron variant.
Genome position (GRCh38, 1-based): chrX:49,077,914, G>A on the plus strand (C>T on the coding strand, the complement: WDR45 is on the minus strand). VCF-style: chrX-49077914-G-A. GRCh37 (hg19) VCF-style: chrX-48935573-G-A.
Other names: c.56-3C>T (NM_007075.4).
Identifiers: ClinVar variation 3647003 (VCV003647003.2).

ClinVar aggregate classification (germline): Uncertain significance (1 of 4 stars; one submission).

Conditions:
Neurodegeneration with brain iron accumulation 5 (NBIA5). Also called: STATIC ENCEPHALOPATHY OF CHILDHOOD WITH NEURODEGENERATION IN ADULTHOOD; Beta-propeller protein-associated neurodegeneration. Identifiers: Orphanet 329284, MedGen C3550973, MONDO:0010476, OMIM 300894.

Submission:

Labcorp Genetics (formerly Invitae), Labcorp
Classification: Uncertain significance for Neurodegeneration with brain iron accumulation 5. Last evaluated: 2024-03-20. Review status: criteria provided, single submitter. Criteria: Invitae Variant Classification Sherloc (09022015). Collection method: clinical testing. Allele origin: germline.
Comment: This sequence change falls in intron 3 of the WDR45 gene. It does not directly change the encoded amino acid sequence of the WDR45 protein. It affects a nucleotide within the consensus splice site. This variant is not present in population databases (gnomAD no frequency). This variant has not been reported in the literature in individuals affected with WDR45-related conditions. Variants that disrupt the consensus splice site are a relatively common cause of aberrant splicing (PMID: 17576681, 9536098). Algorithms developed to predict the effect of sequence changes on RNA splicing suggest that this variant is not likely to affect RNA splicing. In summary, the available evidence is currently insufficient to determine the role of this variant in disease. Therefore, it has been classified as a Variant of Uncertain Significance.

Literature cited by the submitters: PubMed 17576681; PubMed 9536098.